The following is an entry in ClinVar:

ClinVar aggregate classification (germline): Uncertain significance (1 of 4 stars; one submission).

Allele frequency attached by ClinVar (database versions not stated): gnomAD exomes below 0.00001; ExAC 0.00001; gnomAD 0.00002; TOPMed 0.00002.
gnomAD v4.1: 5 of 1,613,614 alleles (0.00031%); highest among the groups gnomAD compares: African/African-American, 0.0067%; no homozygotes.

Submission:

Labcorp Genetics (formerly Invitae), Labcorp
Classification: Uncertain significance. Last evaluated: 2022-10-24. Review status: criteria provided, single submitter. Criteria: Invitae Variant Classification Sherloc (09022015). Collection method: clinical testing. Allele origin: germline.
Comment: In summary, the available evidence is currently insufficient to determine the role of this variant in disease. Therefore, it has been classified as a Variant of Uncertain Significance. Algorithms developed to predict the effect of missense changes on protein structure and function (SIFT, PolyPhen-2, Align-GVGD) all suggest that this variant is likely to be tolerated. ClinVar contains an entry for this variant (Variation ID: 958636). This variant has not been reported in the literature in individuals affected with TRAF3IP1-related conditions. This variant is present in population databases (rs759756954, gnomAD 0.007%). This sequence change replaces serine, which is neutral and polar, with threonine, which is neutral and polar, at codon 121 of the TRAF3IP1 protein (p.Ser121Thr).

NM_015650.4(TRAF3IP1):c.362G>C (p.Ser121Thr)

Gene: TRAF3IP1 (TRAF3 interacting protein 1; plus strand). Cytogenetic location: 2q37.3.
Variant type: single nucleotide variant.
Coding change: c.362G>C on transcript NM_015650.4 (MANE Select); coding-DNA position 362, G replaced by C.
Protein change: p.Ser121Thr; replaces serine 121 with threonine.
Molecular consequence: missense variant.
Genome position (GRCh38, 1-based): chr2:238,328,693, G>C. VCF-style: chr2-238328693-G-C. GRCh37 (hg19) VCF-style: chr2-239237334-G-C.
Other names: c.362G>C, p.Ser121Thr (NM_001139490.1); short protein forms S121T.
Identifiers: ClinVar variation 958636 (VCV000958636.8), dbSNP rs759756954, ClinGen allele CA2198040.